The following is an entry in ClinVar:

ClinVar aggregate classification (germline): Uncertain significance (1 of 4 stars; one submission).

Allele frequency attached by ClinVar (database versions not stated): gnomAD exomes below 0.00001 and 0.00001; TOPMed below 0.00001; ExAC 0.00001.
gnomAD v4.1: 3 of 1,614,098 alleles (0.00019%); highest among the groups gnomAD compares: Non-Finnish European, 0.00025%; no homozygotes.

Submission:

Labcorp Genetics (formerly Invitae), Labcorp
Classification: Uncertain significance. Last evaluated: 2022-07-19. Review status: criteria provided, single submitter. Criteria: Invitae Variant Classification Sherloc (09022015). Collection method: clinical testing. Allele origin: germline.
Comment: This sequence change replaces aspartic acid, which is acidic and polar, with glycine, which is neutral and non-polar, at codon 2103 of the FAT4 protein (p.Asp2103Gly). This variant is present in population databases (rs112252276, gnomAD 0.0009%). This variant has not been reported in the literature in individuals affected with FAT4-related conditions. ClinVar contains an entry for this variant (Variation ID: 1409156). Advanced modeling of protein sequence and biophysical properties (such as structural, functional, and spatial information, amino acid conservation, physicochemical variation, residue mobility, and thermodynamic stability) performed at Invitae indicates that this missense variant is not expected to disrupt FAT4 protein function. In summary, the available evidence is currently insufficient to determine the role of this variant in disease. Therefore, it has been classified as a Variant of Uncertain Significance.

NM_001291303.3(FAT4):c.6308A>G (p.Asp2103Gly)

Gene: FAT4 (FAT atypical cadherin 4; plus strand). Cytogenetic location: 4q28.1.
Variant type: single nucleotide variant.
Coding change: c.6308A>G on transcript NM_001291303.3 (MANE Select); coding-DNA position 6308, A replaced by G.
Protein change: p.Asp2103Gly; replaces aspartic acid 2103 with glycine.
Molecular consequence: missense variant.
Genome position (GRCh38, 1-based): chr4:125,415,271, A>G. VCF-style: chr4-125415271-A-G. GRCh37 (hg19) VCF-style: chr4-126336426-A-G.
Other names: c.6308A>G, p.Asp2103Gly (NM_001291285.3, NM_024582.6); short protein forms D2103G.
Identifiers: ClinVar variation 1409156 (VCV001409156.6), dbSNP rs112252276, ClinGen allele CA3072899.